The following is an entry in ClinVar:

ClinVar aggregate classification (germline): Conflicting classifications of pathogenicity. Review status: criteria provided, conflicting classifications (1 of 4 stars). 2 submissions from 2 submitters: Pathogenic (1); Uncertain significance (1). Last evaluated 2021-02-22.

Conditions:
Abnormal heart morphology. Also called: Abnormality of cardiac morphology; Heart, malformation of. Identifiers: MedGen C0018798, MeSH D006330, HP:0001627.
Postnatal growth retardation. Identifiers: MedGen C1859778, HP:0008897.
Abnormality of the inner ear. Identifiers: MedGen C4021809, HP:0000359.
Sensorineural hearing loss disorder. Also called: Sensorineural Deafness; Sensorineural hearing loss; Sensorineural hearing impairment. Identifiers: MedGen C0018784, MeSH D006319, MONDO:0020678, HP:0000407.
Moderate intellectual disability. Also called: Moderae intellectual disability; Moderate ID. Identifiers: MedGen C0026351, HP:0002342.
Primary microcephaly. Also called: Congenital microcephaly. Identifiers: MedGen C2677180, HP:0011451.
Inborn genetic diseases. Identifiers: MedGen C0950123, MeSH D030342.

Allele frequency attached by ClinVar (database versions not stated): gnomAD exomes below 0.00001 and 0.00001.
gnomAD v4.1: 3 of 1,612,646 alleles (0.00019%); highest among the groups gnomAD compares: Admixed American, 0.0017%; no homozygotes.

Submissions (2):

Ambry Genetics
Classification: Uncertain significance for Inborn genetic diseases. Last evaluated: 2021-02-22. Review status: criteria provided, single submitter. Criteria: Ambry Variant Classification Scheme 2023. Collection method: clinical testing. Allele origin: germline.
Comment: The c.654G>C (p.W218C) alteration is located in exon 6 (coding exon 6) of the BRF1 gene. This alteration results from a G to C substitution at nucleotide position 654, causing the tryptophan (W) at amino acid position 218 to be replaced by a cysteine (C). The p.W218C alteration is predicted to be deleterious by in silico analysis. Based on insufficient or conflicting evidence, the clinical significance of this alteration remains unclear.

Area of Clinical and Molecular Genetics, Hospital Universitario Vall de Hebron
Classification: Pathogenic for Abnormal heart morphology; Primary microcephaly; Postnatal growth retardation; Moderate intellectual disability; Sensorineural hearing loss disorder; Abnormality of the inner ear. Last evaluated: 2020-03-25. Review status: criteria provided, single submitter. Criteria: ACMG Guidelines, 2015. Collection method: clinical testing. Allele origin: inherited. Inheritance: Autosomal recessive inheritance. Affected: no and yes. Observed: 2 variant alleles, 2 heterozygotes, 2 homozygotes. Clinical features observed: Primary microcephaly (HP:0011451), Abnormal heart morphology (HP:0001627), Postnatal growth retardation (HP:0008897), Moderate intellectual disability (HP:0002342), Sensorineural hearing loss disorder (HP:0000407), Abnormality of the inner ear (HP:0000359).

NM_001519.4(BRF1):c.654G>C (p.Trp218Cys)

Gene: BRF1 (BRF1 general transcription factor IIIB subunit; minus strand). Cytogenetic location: 14q32.33.
Variant type: single nucleotide variant.
Coding change: c.654G>C on transcript NM_001519.4 (MANE Select); coding-DNA position 654, G replaced by C.
Protein change: p.Trp218Cys; replaces tryptophan 218 with cysteine.
Molecular consequence: missense variant. On other transcripts: intron variant (1).
Genome position (GRCh38, 1-based): chr14:105,241,305, C>G on the plus strand (G>C on the coding strand, the complement: BRF1 is on the minus strand). VCF-style: chr14-105241305-C-G. GRCh37 (hg19) VCF-style: chr14-105707642-C-G.
Other names: c.654G>C (NM_001519.3); c.309G>C, p.Trp103Cys (NM_001242786.2, NM_001242787.2); c.573G>C, p.Trp191Cys (NM_001242788.2); c.42G>C, p.Trp14Cys (NM_145685.3); c.-21+7844G>C (NM_001242789.2); short protein forms W103C, W191C, W218C, W14C.
Identifiers: ClinVar variation 867234 (VCV000867234.7), dbSNP rs1343140353, ClinGen allele CA391177952.
Genomic context (GRCh38, chr14:105,241,305, plus strand): 5'-GCAGGCAGGGCCCGCTGTACCTGCTCCGCAGAGGCCCGAGGGGCGCCGGCCTGTGTGCAT[C>G]CAGTCCCGCTTCATCCTCTGTAGGAGCCTCAGGGCAGTCATGGACACCTCGTGGTTCTTC-3'
Protein context (NP_001510.2, residues 208-228): LRLLQRMKRD[Trp218Cys]MHTGRRPSGL